The following is an entry in ClinVar:

NM_005560.6(LAMA5):c.7394G>A (p.Arg2465Gln)

Gene: LAMA5 (laminin subunit alpha 5; minus strand). Cytogenetic location: 20q13.33.
Variant type: single nucleotide variant.
Coding change: c.7394G>A on transcript NM_005560.6 (MANE Select); coding-DNA position 7394, G replaced by A.
Protein change: p.Arg2465Gln; replaces arginine 2465 with glutamine.
Molecular consequence: missense variant.
Genome position (GRCh38, 1-based): chr20:62,317,462, C>T on the plus strand (G>A on the coding strand, the complement: LAMA5 is on the minus strand). VCF-style: chr20-62317462-C-T. GRCh37 (hg19) VCF-style: chr20-60892518-C-T.
Other names: c.7394G>A (NM_005560.4, NM_005560.3); short protein forms R2465Q.
Identifiers: ClinVar variation 1635077 (VCV001635077.11), dbSNP rs200632605, ClinGen allele CA9941245.

ClinVar aggregate classification (germline): Likely benign. Review status: criteria provided, multiple submitters, no conflicts (2 of 4 stars). 3 submissions from 3 submitters: Likely benign (2). 1 of the submissions does not count toward it. Last evaluated 2025-11-10.

Conditions:
LAMA5-related disorder. Also called: LAMA5-Related Disorders; LAMA5-related condition.
Inborn genetic diseases. Identifiers: MedGen C0950123, MeSH D030342.

Allele frequency attached by ClinVar (database versions not stated): 1000 Genomes Project 30x 0.00016; 1000 Genomes Project 0.00020; gnomAD 0.00029 and 0.00031; ExAC 0.00040; TOPMed 0.00040; gnomAD exomes 0.00043.
gnomAD v4.1: 393 of 1,577,982 alleles (0.025%); highest among the groups gnomAD compares: East Asian, 0.26%; 1 homozygote.

Submissions (3):

Labcorp Genetics (formerly Invitae), Labcorp
Classification: Likely benign. Last evaluated: 2025-11-10. Review status: criteria provided, single submitter. Criteria: Invitae Variant Classification Sherloc (09022015). Collection method: clinical testing. Allele origin: germline.

Ambry Genetics
Classification: Likely benign for Inborn genetic diseases. Last evaluated: 2025-05-05. Review status: criteria provided, single submitter. Criteria: Ambry Variant Classification Scheme 2023. Collection method: clinical testing. Allele origin: germline.

PreventionGenetics, part of Exact Sciences
Classification: Likely benign for LAMA5-related condition. Last evaluated: 2021-04-29. Review status: no assertion criteria provided. Collection method: clinical testing. Allele origin: germline. Not counted in ClinVar's aggregate classification.
Comment: This variant is classified as likely benign based on ACMG/AMP sequence variant interpretation guidelines (Richards et al. 2015 PMID: 25741868, with internal and published modifications).